The following is an entry in ClinVar:

ClinVar aggregate classification (germline): Likely benign. Review status: criteria provided, multiple submitters, no conflicts (2 of 4 stars). 2 submissions from 2 submitters: Likely benign (2). Last evaluated 2023-04-28.

Conditions:
Loeys-Dietz syndrome 2 (LDS2). Also called: AORTIC ANEURYSM, FAMILIAL THORACIC 3; MARFAN SYNDROME, TYPE II; Marfan syndrome, type 2 (formerly); TGFBR2-Related Loeys-Dietz Syndrome; Marfan Syndrome type 2; Marfan like connective tissue disorder. Identifiers: Orphanet 284973, Orphanet 558, MedGen C2674574, MONDO:0012427, OMIM 610168.
Familial thoracic aortic aneurysm and aortic dissection (TAAD). Also called: Thoracic aortic aneurysms and dissections. Identifiers: Orphanet 91387, MedGen C4707243, MONDO:0019625.

Submissions (2):

All of Us Research Program, National Institutes of Health
Classification: Likely benign for Loeys-Dietz syndrome 2. Last evaluated: 2023-04-28. Review status: criteria provided, single submitter. Criteria: ACMG Guidelines, 2015. Collection method: clinical testing. Allele origin: germline. Inheritance: Autosomal dominant inheritance. Observed: 1 variant allele, 1 heterozygote.
Comment: This study involves interpretation of variants in research participants for the purpose of population health screening. Participant phenotype was not available at the time of variant classification. Additional details can be found in publication PMID: 35346344, PMCID: PMC8962531

Color Diagnostics, LLC DBA Color Health
Classification: Likely benign for Familial thoracic aortic aneurysm and aortic dissection. Last evaluated: 2022-11-06. Review status: criteria provided, single submitter. Criteria: ACMG Guidelines, 2015. Collection method: clinical testing. Allele origin: germline.

NM_003242.6(TGFBR2):c.723G>C (p.Leu241=)

Gene: TGFBR2 (transforming growth factor beta receptor 2; plus strand). Cytogenetic location: 3p24.1.
Variant type: single nucleotide variant.
Coding change: c.723G>C on transcript NM_003242.6 (MANE Select); coding-DNA position 723, G replaced by C.
Protein change: p.Leu241=; no amino-acid change (leucine 241 retained).
Molecular consequence: synonymous variant. On other transcripts: intron variant (1).
Genome position (GRCh38, 1-based): chr3:30,671,906, G>C. VCF-style: chr3-30671906-G-C. GRCh37 (hg19) VCF-style: chr3-30713398-G-C.
Other names: c.798G>C, p.Leu266= (NM_001024847.3); c.906G>C, p.Leu302= (NM_001407126.1); c.831G>C, p.Leu277= (NM_001407127.1); c.750G>C, p.Leu250= (NM_001407128.1); c.726G>C, p.Leu242= (NM_001407129.1); c.723G>C, p.Leu241= (NM_001407130.1); c.618G>C, p.Leu206= (NM_001407132.1, NM_001407133.1, NM_001407134.1 and 2 more transcripts); c.438G>C, p.Leu146= (NM_001407137.1); and 2 more.
Identifiers: ClinVar variation 3070527 (VCV003070527.2), dbSNP rs2125434115, ClinGen allele CA433058547.